The following is an entry in ClinVar:

NM_001367949.2(FAT3):c.12412G>A (p.Val4138Met)

Gene: FAT3 (FAT atypical cadherin 3; plus strand). Cytogenetic location: 11q14.3.
Variant type: single nucleotide variant.
Coding change: c.12412G>A on transcript NM_001367949.2 (MANE Select); coding-DNA position 12412, G replaced by A.
Protein change: p.Val4138Met; replaces valine 4138 with methionine.
Molecular consequence: missense variant.
Genome position (GRCh38, 1-based): chr11:92,882,868, G>A. VCF-style: chr11-92882868-G-A. GRCh37 (hg19) VCF-style: chr11-92616034-G-A.
Other names: c.12412G>A, p.Val4138Met (NM_001008781.3); short protein forms V4138M.
Identifiers: ClinVar variation 3770814 (VCV003770814.14).

ClinVar aggregate classification (germline): Likely benign. Review status: criteria provided, multiple submitters, no conflicts (2 of 4 stars). 2 submissions from 2 submitters: Likely benign (2). Last evaluated 2025-03-22.

Conditions:
Familial meningioma. Also called: Meningioma, familial, susceptibility to. Identifiers: Orphanet 263662, MedGen C3551915, MONDO:0011789, OMIM 607174.

gnomAD v4.1: 1,839 of 1,612,308 alleles (0.11%); highest among the groups gnomAD compares: Admixed American, 0.2%; 12 homozygotes.

Submissions (2):

Dr. Guy Rouleau's laboratory, McGill University
Classification: Likely benign for Familial meningioma. Last evaluated: 2025-03-22. Review status: criteria provided, single submitter. Criteria: ACMG Guidelines, 2015. Collection method: research. Allele origin: germline. Affected: yes.
Comment: This missense variant located at the position 4138, is change Valine (V), neutral and nonpolar amino acid to Methionine (M), neutral and sulfur-containing amino acid in FAT3 gene. This variant is predicted benign by several bioinformatic tools. This variant has been reported in population database (gnomAD v2.1.1 allele frequency =0.001290, exome coverage 66X), This variant is associated with the following publication (PMID: 34339623).

CeGaT Center for Human Genetics Tuebingen
Classification: Likely benign. Last evaluated: 2024-12-01. Review status: criteria provided, single submitter. Criteria: CeGaT Center For Human Genetics Tuebingen Variant Classification Criteria Version 2. Collection method: clinical testing. Allele origin: germline. Affected: yes. Observed: 1 variant allele.
Comment: FAT3: BS1

Literature cited by the submitters: PubMed 34339623 (cited by Dr. Guy Rouleau's laboratory, McGill University).